The following is an entry in ClinVar:

ClinVar aggregate classification (germline): Uncertain significance. Review status: criteria provided, multiple submitters, no conflicts (2 of 4 stars). 5 submissions from 5 submitters: Uncertain significance (4). 1 of the submissions does not count toward it. Last evaluated 2026-03-13.

Conditions:
CDH23-related disorder. Also called: CDH23-related condition; CDH23-related disorders.
Usher syndrome type 1 (USH1). Also called: RETINITIS PIGMENTOSA AND CONGENITAL DEAFNESS. Identifiers: Orphanet 231169, Orphanet 886, MedGen C1568247, MONDO:0010168, OMIM 276900.

Allele frequency attached by ClinVar (database versions not stated): gnomAD 0.00002 and 0.00005; TOPMed 0.00003; ExAC 0.00005; gnomAD exomes 0.00006 and 0.00009; 1000 Genomes Project 0.00040; 1000 Genomes Project 30x 0.00047.
gnomAD v4.1: 90 of 1,612,386 alleles (0.0056%); highest among the groups gnomAD compares: South Asian, 0.041%; 1 homozygote.

Submissions (5):

PreventionGenetics, part of Exact Sciences
Classification: Uncertain significance for CDH23-related condition. Last evaluated: 2026-03-13. Review status: criteria provided, single submitter. Criteria: ACMG Guidelines, 2015. Collection method: clinical testing. Allele origin: germline.
Comment: The CDH23 c.6086G>A variant is predicted to result in the amino acid substitution p.Arg2029Gln. To our knowledge, this variant has not been reported in the literature. This variant is reported in 0.030% of alleles in individuals of South Asian descent in gnomAD. A variant impacting the same amino acid position (c.6085C>T, p.Arg2029Trp) has been evaluated to be pathogenic by the ClinGen Hearing Loss Variant Curation Expert Panel. At this time, the clinical significance of this variant is uncertain due to the absence of conclusive functional and genetic evidence.

Labcorp Genetics (formerly Invitae), Labcorp
Classification: Uncertain significance. Last evaluated: 2025-05-05. Review status: criteria provided, single submitter. Criteria: Invitae Variant Classification Sherloc (09022015). Collection method: clinical testing. Allele origin: germline.
Comment: This sequence change replaces arginine, which is basic and polar, with glutamine, which is neutral and polar, at codon 2029 of the CDH23 protein (p.Arg2029Gln). This variant is present in population databases (rs542400234, gnomAD 0.03%). This variant has not been reported in the literature in individuals affected with CDH23-related conditions. ClinVar contains an entry for this variant (Variation ID: 1197071). Invitae Evidence Modeling of protein sequence and biophysical properties (such as structural, functional, and spatial information, amino acid conservation, physicochemical variation, residue mobility, and thermodynamic stability) has been performed for this missense variant. However, the output from this modeling did not meet the statistical confidence thresholds required to predict the impact of this variant on CDH23 protein function. This variant disrupts the p.Arg2029 amino acid residue in CDH23. Other variant(s) that disrupt this residue have been determined to be pathogenic (PMID: 17850630, 22899989, 35020051). This suggests that this residue is clinically significant, and that variants that disrupt this residue are likely to be disease-causing. In summary, the available evidence is currently insufficient to determine the role of this variant in disease. Therefore, it has been classified as a Variant of Uncertain Significance.

Blueprint Genetics
Classification: Uncertain significance. Last evaluated: 2024-06-20. Review status: criteria provided, single submitter. Criteria: ACMG Guidelines, 2015. Collection method: clinical testing. Allele origin: germline.

GeneDx
Classification: Uncertain significance. Last evaluated: 2022-01-10. Review status: criteria provided, single submitter. Criteria: GeneDx Variant Classification Process June 2021. Collection method: clinical testing. Allele origin: germline. Affected: yes.
Comment: In silico analysis supports that this missense variant has a deleterious effect on protein structure/function; Splice predictors suggest this variant may impact gene splicing. In the absence of RNA/functional studies, the actual effect of this sequence change is unknown; Has not been previously published as pathogenic or benign to our knowledge; This variant is associated with the following publications: (PMID: 15537665)

Natera, Inc.
Classification: Uncertain significance for Usher syndrome type 1. Last evaluated: 2020-02-21. Review status: no assertion criteria provided. Collection method: clinical testing. Allele origin: germline. Not counted in ClinVar's aggregate classification.

Literature cited by the submitters: PubMed 17850630 (cited by Labcorp Genetics (formerly Invitae), Labcorp); PubMed 22899989 (cited by Labcorp Genetics (formerly Invitae), Labcorp); PubMed 35020051 (cited by Labcorp Genetics (formerly Invitae), Labcorp).

NM_022124.6(CDH23):c.6086G>A (p.Arg2029Gln)

Gene: CDH23 (cadherin related 23; plus strand). Cytogenetic location: 10q22.1.
Variant type: single nucleotide variant.
Coding change: c.6086G>A on transcript NM_022124.6 (MANE Select); coding-DNA position 6086, G replaced by A.
Protein change: p.Arg2029Gln; replaces arginine 2029 with glutamine.
Molecular consequence: missense variant.
Genome position (GRCh38, 1-based): chr10:71,791,168, G>A. VCF-style: chr10-71791168-G-A. GRCh37 (hg19) VCF-style: chr10-73550925-G-A.
Other names: short protein forms R2029Q.
Identifiers: ClinVar variation 1197071 (VCV001197071.11), dbSNP rs542400234, ClinGen allele CA5545997.